The following is an entry in ClinVar:

ClinVar aggregate classification (germline): Uncertain significance (1 of 4 stars; one submission).

Conditions:
Predisposition to invasive fungal disease due to CARD9 deficiency (IMD103). Also called: IMMUNODEFICIENCY 103, SUSCEPTIBILITY TO FUNGAL INFECTIONS; Candidiasis, familial, 2, autosomal recessive; CARD9 IMMUNODEFICIENCY. Identifiers: Orphanet 457088, MedGen C1859353, MONDO:0008905, OMIM 212050.

Submission:

Labcorp Genetics (formerly Invitae), Labcorp
Classification: Uncertain significance for Predisposition to invasive fungal disease due to CARD9 deficiency. Last evaluated: 2025-01-01. Review status: criteria provided, single submitter. Criteria: Invitae Variant Classification Sherloc (09022015). Collection method: clinical testing. Allele origin: germline.
Comment: This variant, c.1560_1562del, results in the deletion of 1 amino acid(s) of the CARD9 protein (p.Glu520del), but otherwise preserves the integrity of the reading frame. This variant is present in population databases (rs756632228, gnomAD 0.02%). This variant has not been reported in the literature in individuals affected with CARD9-related conditions. Experimental studies and prediction algorithms are not available or were not evaluated, and the functional significance of this variant is currently unknown. In summary, the available evidence is currently insufficient to determine the role of this variant in disease. Therefore, it has been classified as a Variant of Uncertain Significance.

NM_052813.5(CARD9):c.1554GGA[2] (p.Glu520del)

Gene: CARD9 (caspase recruitment domain family member 9; minus strand). Cytogenetic location: 9q34.3.
Variant type: Microsatellite.
Coding change: c.1554GGA[2] on transcript NM_052813.5 (MANE Select); two copies in a row of the 3-base unit GGA starting at c.1554; the reference has three copies in a row; one copy, 3 bases deleted.
Protein change: p.Glu520del; deletes glutamic acid 520.
Molecular consequence: inframe deletion. On other transcripts: intron variant (1).
Genome position (GRCh38, 1-based): chr9:136,364,351-136,364,353, TCC deleted on the plus strand (GGA on the coding strand, the reverse complement: CARD9 is on the minus strand); deleting any 3 consecutive bases within chr9:136,364,351-136,364,359 gives the same sequence; the position shown is the placement nearest the transcript's 3' end. VCF-style (leftmost placement, unchanged base first): chr9-136364350-GTCC-G. GRCh37 (hg19) VCF-style: chr9-139258802-GTCC-G.
Other names: c.1441+194GGA[2] (NM_052814.4); short protein forms E520del.
Identifiers: ClinVar variation 1476736 (VCV001476736.7), dbSNP rs756632228, ClinGen allele CA5332580.